The following is an entry in ClinVar:

ClinVar aggregate classification (germline): Conflicting classifications of pathogenicity. Review status: criteria provided, conflicting classifications (1 of 4 stars). 6 submissions from 6 submitters: Uncertain significance (5); Benign (1). Last evaluated 2026-05-03.

Conditions:
Mismatch repair cancer syndrome 3. Identifiers: MedGen C5436807, MONDO:0030841, OMIM 619097.
Hereditary cancer-predisposing syndrome. Also called: Tumor predisposition; Hereditary Cancer Syndrome; Neoplastic Syndromes, Hereditary; Hereditary neoplastic syndrome. Identifiers: Orphanet 140162, MedGen C0027672, MeSH D009386, MONDO:0015356.

Allele frequency attached by ClinVar (database versions not stated): gnomAD 0.00003; gnomAD exomes below 0.00001; ExAC 0.00001; TOPMed 0.00001.

Submissions (6):

Women's Health and Genetics/Laboratory Corporation of America, LabCorp
Classification: Uncertain significance. Last evaluated: 2026-05-03. Review status: criteria provided, single submitter. Criteria: LabCorp Variant Classification Summary - May 2015. Collection method: clinical testing. Allele origin: germline.

Ambry Genetics
Classification: Uncertain significance for Hereditary cancer-predisposing syndrome. Last evaluated: 2026-03-23. Review status: criteria provided, single submitter. Criteria: Ambry Variant Classification Scheme 2023. Collection method: clinical testing. Allele origin: germline.
Comment: The c.*10A>C variant is located in the 3' untranslated region (3&rsquo; UTR) of the MSH6 gene. This variant results from an A to C substitution 10 nucleotides downstream of the last translated codon. This nucleotide position is well conserved in available vertebrate species. Based on the available evidence, the clinical significance of this variant remains unclear.

Mayo Clinic Laboratories, Mayo Clinic
Classification: Uncertain significance. Last evaluated: 2023-03-01. Review status: criteria provided, single submitter. Criteria: ACMG Guidelines, 2015. Collection method: clinical testing. Allele origin: germline. Observed: 1 variant allele.
Comment: PM2

Color Diagnostics, LLC DBA Color Health
Classification: Uncertain significance for Hereditary cancer-predisposing syndrome. Last evaluated: 2021-05-19. Review status: criteria provided, single submitter. Criteria: ACMG Guidelines, 2015. Collection method: clinical testing. Allele origin: germline.
Comment: This variant is located in the 3' untranslated region of the MSH6 gene. To our knowledge, functional studies have not been reported for this variant. This variant has not been reported in individuals affected with hereditary cancer in the literature. This variant has been identified in 2/282230 chromosomes in the general population by the Genome Aggregation Database (gnomAD). The available evidence is insufficient to determine the role of this variant in disease conclusively. Therefore, this variant is classified as a Variant of Uncertain Significance.

Department of Pathology and Laboratory Medicine, Sinai Health System
Classification: Uncertain significance for Mismatch repair cancer syndrome 3. Last evaluated: 2020-01-28. Review status: criteria provided, single submitter. Criteria: ACMG Guidelines, 2015. Collection method: clinical testing. Allele origin: germline. Affected: yes.

GeneDx
Classification: Benign. Last evaluated: 2015-04-10. Review status: criteria provided, single submitter. Criteria: GeneDx Variant Classification Process June 2021. Collection method: clinical testing. Allele origin: germline. Affected: yes.

NM_000179.3(MSH6):c.*10A>C

Gene: MSH6 (mutS homolog 6; plus strand). Cytogenetic location: 2p16.3.
Variant type: single nucleotide variant.
Coding change: c.*10A>C on transcript NM_000179.3 (MANE Select); 10 bases downstream of the stop codon, A replaced by C.
Molecular consequence: 3 prime UTR variant.
Genome position (GRCh38, 1-based): chr2:47,806,870, A>C. VCF-style: chr2-47806870-A-C. GRCh37 (hg19) VCF-style: chr2-48034009-A-C.
Other names: c.*10A>C (NM_001281492.2, NM_001281493.2, NM_001281494.2).
Identifiers: ClinVar variation 629850 (VCV000629850.12), dbSNP rs757778351, ClinGen allele CA067158.
Genomic context (GRCh38, chr2:47,806,870, plus strand): 5'-GTAGATGCTGAAGCTGTCCATAAATTGCTGACTTTGATTAAGGAATTATAGACTGACTAC[A>C]TTGGAAGCTTTGAGTTGACTTCTGACAAAGGTGGTAAATTCAGACAACATTATGATCTAA-3'